The following is an entry in ClinVar:

NM_001040142.2(SCN2A):c.4142A>G (p.Asn1381Ser)

Gene: SCN2A (sodium voltage-gated channel alpha subunit 2; plus strand). Cytogenetic location: 2q24.3.
Variant type: single nucleotide variant.
Coding change: c.4142A>G on transcript NM_001040142.2 (MANE Select); coding-DNA position 4142, A replaced by G.
Protein change: p.Asn1381Ser; replaces asparagine 1381 with serine.
Molecular consequence: missense variant.
Genome position (GRCh38, 1-based): chr2:165,374,854, A>G. VCF-style: chr2-165374854-A-G. GRCh37 (hg19) VCF-style: chr2-166231364-A-G.
Other names: c.4142A>G, p.Asn1381Ser (NM_001040143.2, NM_001371246.1, NM_001371247.1 and 1 more transcripts); c.4142A>G (NM_021007.2); short protein forms N1381S.
Identifiers: ClinVar variation 1379492 (VCV001379492.9), dbSNP rs2105373170, ClinGen allele CA349031112.
Genomic context (GRCh38, chr2:165,374,854, plus strand): 5'-GCAAGTTTTACCATTGTATTAATTACACCACTGGAGAGATGTTTGATGTAAGCGTGGTCA[A>G]CAACTACAGTGAGTGCAAAGCTCTCATTGAGAGCAATCAAACTGCCAGGTGGAAAAATGT-3'
Protein context (NP_001035232.1, residues 1371-1391): TGEMFDVSVV[Asn1381Ser]NYSECKALIE

ClinVar aggregate classification (germline): Uncertain significance. Review status: criteria provided, multiple submitters, no conflicts (2 of 4 stars). 2 submissions from 2 submitters: Uncertain significance (2). Last evaluated 2026-03-31.

Conditions:
Seizures, benign familial infantile, 3 (BFIS3). Also called: CONVULSIONS, BENIGN FAMILIAL INFANTILE, 3; Familial neonatal seizures. Identifiers: Orphanet 140927, Orphanet 306, MedGen C1843140, MONDO:0011904, OMIM 607745.
Developmental and epileptic encephalopathy, 11 (DEE11). Also called: Early infantile epileptic encephalopathy 11. Identifiers: Orphanet 1934, MedGen C3150987, MONDO:0013388, OMIM 613721.

Allele frequency attached by ClinVar (database versions not stated): gnomAD exomes below 0.00001.
gnomAD v4.1: 2 of 1,613,680 alleles (0.00012%); highest among the groups gnomAD compares: South Asian, 0.0022%; no homozygotes.

Submissions (2):

GeneDx
Classification: Uncertain significance. Last evaluated: 2026-03-31. Review status: criteria provided, single submitter. Criteria: GeneDx Variant Classification Process June 2021. Collection method: clinical testing. Allele origin: germline.
Comment: Not observed at significant frequency in large population cohorts (gnomAD); In silico analysis supports that this missense variant has a deleterious effect on protein structure/function; This substitution is predicted to be within the extracellular loop between the S5 and S6 transmembrane segments of the third homologous domain; Has not been previously published as pathogenic or benign to our knowledge

Labcorp Genetics (formerly Invitae), Labcorp
Classification: Uncertain significance for Seizures, benign familial infantile, 3; Developmental and epileptic encephalopathy, 11. Last evaluated: 2021-03-17. Review status: criteria provided, single submitter. Criteria: Invitae Variant Classification Sherloc (09022015). Collection method: clinical testing. Allele origin: germline.
Comment: In summary, the available evidence is currently insufficient to determine the role of this variant in disease. Therefore, it has been classified as a Variant of Uncertain Significance. Algorithms developed to predict the effect of missense changes on protein structure and function are either unavailable or do not agree on the potential impact of this missense change (SIFT: "Tolerated"; PolyPhen-2: "Possibly Damaging"; Align-GVGD: "Class C0"). This variant has not been reported in the literature in individuals with SCN2A-related conditions. This variant is not present in population databases (ExAC no frequency). This sequence change replaces asparagine with serine at codon 1381 of the SCN2A protein (p.Asn1381Ser). The asparagine residue is highly conserved and there is a small physicochemical difference between asparagine and serine.